The following is an entry in ClinVar:

ClinVar aggregate classification (germline): Uncertain significance. Review status: criteria provided, multiple submitters, no conflicts (2 of 4 stars). 2 submissions from 2 submitters: Uncertain significance (2). Last evaluated 2024-02-09.

Conditions:
Hereditary cancer-predisposing syndrome. Also called: Tumor predisposition; Hereditary Cancer Syndrome; Neoplastic Syndromes, Hereditary; Hereditary neoplastic syndrome. Identifiers: Orphanet 140162, MedGen C0027672, MeSH D009386, MONDO:0015356.
BAP1-related tumor predisposition syndrome (TPDS1). Also called: Tumor susceptibility linked to germline BAP1 mutations; BAP1 tumor predisposition syndrome; COMMON Syndrome; TUMOR PREDISPOSITION SYNDROME 1. Identifiers: Orphanet 289539, MedGen C3280492, MONDO:0013692, OMIM 614327.

Submissions (2):

Ambry Genetics
Classification: Uncertain significance for Hereditary cancer-predisposing syndrome. Last evaluated: 2024-02-09. Review status: criteria provided, single submitter. Criteria: Ambry Variant Classification Scheme 2023. Collection method: clinical testing. Allele origin: germline.
Comment: The p.I131T variant (also known as c.392T>C), located in coding exon 6 of the BAP1 gene, results from a T to C substitution at nucleotide position 392. The isoleucine at codon 131 is replaced by threonine, an amino acid with similar properties. This amino acid position is highly conserved in available vertebrate species. In addition, this alteration is predicted to be deleterious by in silico analysis. Based on the available evidence, the clinical significance of this alteration remains unclear.

Labcorp Genetics (formerly Invitae), Labcorp
Classification: Uncertain significance for BAP1-related tumor predisposition syndrome. Last evaluated: 2022-03-27. Review status: criteria provided, single submitter. Criteria: Invitae Variant Classification Sherloc (09022015). Collection method: clinical testing. Allele origin: germline.
Comment: This sequence change replaces isoleucine, which is neutral and non-polar, with threonine, which is neutral and polar, at codon 131 of the BAP1 protein (p.Ile131Thr). This variant is not present in population databases (gnomAD no frequency). This variant has not been reported in the literature in individuals affected with BAP1-related conditions. Algorithms developed to predict the effect of missense changes on protein structure and function are either unavailable or do not agree on the potential impact of this missense change (SIFT: "Deleterious"; PolyPhen-2: "Benign"; Align-GVGD: "Class C65"). In summary, the available evidence is currently insufficient to determine the role of this variant in disease. Therefore, it has been classified as a Variant of Uncertain Significance.

NM_004656.4(BAP1):c.392T>C (p.Ile131Thr)

Gene: BAP1 (BRCA1 associated deubiquitinase 1; minus strand). Cytogenetic location: 3p21.1.
Variant type: single nucleotide variant.
Coding change: c.392T>C on transcript NM_004656.4 (MANE Select); coding-DNA position 392, T replaced by C.
Protein change: p.Ile131Thr; replaces isoleucine 131 with threonine.
Molecular consequence: missense variant.
Genome position (GRCh38, 1-based): chr3:52,407,444, A>G on the plus strand (T>C on the coding strand, the complement: BAP1 is on the minus strand). VCF-style: chr3-52407444-A-G. GRCh37 (hg19) VCF-style: chr3-52441460-A-G.
Other names: c.392T>C, p.Ile131Thr (NM_001410772.1); short protein forms I131T.
Identifiers: ClinVar variation 2058825 (VCV002058825.5), dbSNP rs1559590753, ClinGen allele CA353111137.